The following is an entry in ClinVar:

NM_001127222.2(CACNA1A):c.7C>T (p.Arg3Cys)

Gene: CACNA1A (calcium voltage-gated channel subunit alpha1 A; minus strand). Cytogenetic location: 19p13.13.
Variant type: single nucleotide variant.
Coding change: c.7C>T on transcript NM_001127222.2 (MANE Select); coding-DNA position 7, C replaced by T.
Protein change: p.Arg3Cys; replaces arginine 3 with cysteine.
Molecular consequence: missense variant.
Genome position (GRCh38, 1-based): chr19:13,506,218, G>A on the plus strand (C>T on the coding strand, the complement: CACNA1A is on the minus strand). VCF-style: chr19-13506218-G-A. GRCh37 (hg19) VCF-style: chr19-13617032-G-A.
Other names: c.7C>T (NM_001127221.1); c.7C>T, p.Arg3Cys (NM_000068.4, NM_001127221.2, NM_001174080.2 and 1 more transcripts); short protein forms R3C.
Identifiers: ClinVar variation 1388953 (VCV001388953.9), dbSNP rs1326606155, ClinGen allele CA404971397.

ClinVar aggregate classification (germline): Uncertain significance. Review status: criteria provided, multiple submitters, no conflicts (2 of 4 stars). 2 submissions from 2 submitters: Uncertain significance (2). Last evaluated 2025-06-20.

Conditions:
Developmental and epileptic encephalopathy, 42 (DEE42A). Also called: Epileptic encephalopathy, early infantile, 42; DEVELOPMENTAL AND EPILEPTIC ENCEPHALOPATHY 42A; EPILEPTIC ENCEPHALOPATHY, EARLY INFANTILE, 42A. Identifiers: MedGen C4310716, MONDO:0014917, OMIM 617106.
Episodic ataxia type 2 (EA2). Also called: EPISODIC ATAXIA, NYSTAGMUS-ASSOCIATED; ACETAZOLAMIDE-RESPONSIVE HEREDITARY PAROXYSMAL CEREBELLAR ATAXIA; ATAXIA, EPISODIC, WITH NYSTAGMUS; ATAXIA, FAMILIAL PAROXYSMAL; CEREBELLAR ATAXIA, PAROXYSMAL, ACETAZOLAMIDE-RESPONSIVE; CEREBELLOPATHY, HEREDITARY PAROXYSMAL. Identifiers: Orphanet 97, MedGen C1720416, MONDO:0007163, OMIM 108500.

Allele frequency attached by ClinVar (database versions not stated): gnomAD exomes below 0.00001 and 0.00001.
gnomAD v4.1: 2 of 1,481,600 alleles (0.00013%); highest among the groups gnomAD compares: Admixed American, 0.0025%; no homozygotes.

Submissions (2):

GeneDx
Classification: Uncertain significance. Last evaluated: 2025-06-20. Review status: criteria provided, single submitter. Criteria: GeneDx Variant Classification Process June 2021. Collection method: clinical testing. Allele origin: germline. Affected: yes.
Comment: In silico analysis supports that this missense variant has a deleterious effect on protein structure/function; Has not been previously published as pathogenic or benign to our knowledge

Labcorp Genetics (formerly Invitae), Labcorp
Classification: Uncertain significance for Developmental and epileptic encephalopathy, 42; Episodic ataxia type 2. Last evaluated: 2025-02-12. Review status: criteria provided, single submitter. Criteria: Invitae Variant Classification Sherloc (09022015). Collection method: clinical testing. Allele origin: germline.
Comment: This sequence change replaces arginine, which is basic and polar, with cysteine, which is neutral and slightly polar, at codon 3 of the CACNA1A protein (p.Arg3Cys). This variant is present in population databases (no rsID available, gnomAD 0.007%). This variant has not been reported in the literature in individuals affected with CACNA1A-related conditions. ClinVar contains an entry for this variant (Variation ID: 1388953). Invitae Evidence Modeling of protein sequence and biophysical properties (such as structural, functional, and spatial information, amino acid conservation, physicochemical variation, residue mobility, and thermodynamic stability) has been performed for this missense variant. However, the output from this modeling did not meet the statistical confidence thresholds required to predict the impact of this variant on CACNA1A protein function. In summary, the available evidence is currently insufficient to determine the role of this variant in disease. Therefore, it has been classified as a Variant of Uncertain Significance.